The following is an entry in ClinVar:

NM_000059.4(BRCA2):c.8332-1404C>T

Gene: BRCA2 (BRCA2 DNA repair associated; plus strand). Cytogenetic location: 13q13.1.
Variant type: single nucleotide variant.
Coding change: c.8332-1404C>T on transcript NM_000059.4 (MANE Select); 1404 bases into the intron before coding-DNA position 8332, C replaced by T.
Molecular consequence: intron variant.
Genome position (GRCh38, 1-based): chr13:32,368,998, C>T. VCF-style: chr13-32368998-C-T. GRCh37 (hg19) VCF-style: chr13-32943135-C-T.
Other names: IVS 18-1404C>T.
Identifiers: ClinVar variation 209806 (VCV000209806.1), dbSNP rs75649145, ClinGen allele CA276774.

ClinVar aggregate classification (germline): Benign (3 of 4 stars; one submission).

Conditions:
Breast-ovarian cancer, familial, susceptibility to, 2 (BROVCA2). Also called: BRCA2 Hereditary Breast and Ovarian Cancer. Identifiers: Orphanet 145, MedGen C2675520, MONDO:0012933, OMIM 612555. Disease mechanism: loss of function.

Allele frequency attached by ClinVar (database versions not stated): gnomAD 0.03649 and 0.04050; TOPMed 0.04186; 1000 Genomes Project 0.07268; 1000 Genomes Project 30x 0.07355.
gnomAD v4.1: 6,147 of 151,690 alleles (4.1%); highest among the groups gnomAD compares: South Asian, 11%; 212 homozygotes.

Submission:

Evidence-based Network for the Interpretation of Germline Mutant Alleles (ENIGMA)
Classification: Benign for Breast-ovarian cancer, familial 2. Last evaluated: 2015-01-12. Review status: reviewed by expert panel. Criteria: ENIGMA BRCA1/2 Classification Criteria (2015). Collection method: curation. Allele origin: germline.
Comment: Class 1 not pathogenic based on frequency >1% in an outbred sampleset. Frequency 0.1049 (Asian), 0.01829 (African), 0.03958 (European), derived from 1000 genomes (2012-04-30).